The following is an entry in ClinVar:

ClinVar aggregate classification (germline): Benign/Likely benign. Review status: criteria provided, multiple submitters, no conflicts (2 of 4 stars). 9 submissions from 9 submitters: Benign (8); Likely benign (1). Last evaluated 2026-02-04.

Conditions:
Agenesis of the corpus callosum with peripheral neuropathy (ACCPN). Also called: HMSN/ACC; Hereditary Motor and Sensory Neuropathy with Agenesis of the Corpus Callosum; POLYNEUROPATHY, SENSORIMOTOR, WITH OR WITHOUT AGENESIS OF THE CORPUS CALLOSUM; CHARLEVOIX DISEASE. Identifiers: Orphanet 1496, MedGen C0795950, MONDO:0000902, OMIM 218000. Disease mechanism: loss of function.

Allele frequency attached by ClinVar (database versions not stated): 1000 Genomes Project 30x 0.08838; 1000 Genomes Project 0.08986; TOPMed 0.09626; gnomAD 0.10170 and 0.10210; gnomAD exomes 0.10616 and 0.11684; ExAC 0.10730; ESP Exome Variant Server 0.10732.
gnomAD v4.1: 166,145 of 1,441,302 alleles (12%); highest among the groups gnomAD compares: South Asian, 15%; 10,102 homozygotes.

Submissions (9):

Labcorp Genetics (formerly Invitae), Labcorp
Classification: Benign. Last evaluated: 2026-02-04. Review status: criteria provided, single submitter. Criteria: Invitae Variant Classification Sherloc (09022015). Collection method: clinical testing. Allele origin: germline.

Blueprint Genetics
Classification: Likely benign. Last evaluated: 2024-11-27. Review status: criteria provided, single submitter. Criteria: ACMG Guidelines, 2015. Collection method: clinical testing. Allele origin: germline.

Genome-Nilou Lab
Classification: Benign for Agenesis of the corpus callosum with peripheral neuropathy. Last evaluated: 2021-07-10. Review status: criteria provided, single submitter. Criteria: ACMG Guidelines, 2015. Collection method: clinical testing. Allele origin: germline. Affected: no.

Women's Health and Genetics/Laboratory Corporation of America, LabCorp
Classification: Benign. Last evaluated: 2021-06-05. Review status: criteria provided, single submitter. Criteria: LabCorp Variant Classification Summary - May 2015. Collection method: clinical testing. Allele origin: germline.

Illumina Laboratory Services, Illumina
Classification: Benign for Agenesis of the corpus callosum with peripheral neuropathy. Last evaluated: 2018-01-13. Review status: criteria provided, single submitter. Criteria: ICSL Variant Classification Criteria 13 December 2019. Collection method: clinical testing. Allele origin: germline.
Comment: This variant was observed in the ICSL laboratory as part of a predisposition screen in an ostensibly healthy population. It had not been previously curated by ICSL or reported in the Human Gene Mutation Database (HGMD: prior to June 1st, 2018), and was therefore a candidate for classification through an automated scoring system. Utilizing variant allele frequency, disease prevalence and penetrance estimates, and inheritance mode, an automated score was calculated to assess if this variant is too frequent to cause the disease. Based on the score and internal cut-off values, a variant classified as benign is not then subjected to further curation. The score for this variant resulted in a classification of benign for this disease.

GeneDx
Classification: Benign. Last evaluated: 2015-03-03. Review status: criteria provided, single submitter. Criteria: GeneDx Variant Classification Process June 2021. Collection method: clinical testing. Allele origin: germline. Affected: yes.

Genetic Services Laboratory, University of Chicago
Classification: Benign. Last evaluated: 2013-02-08. Review status: criteria provided, single submitter. Criteria: ACMG Guidelines, 2007. Collection method: clinical testing. Allele origin: germline. Inheritance: Autosomal recessive inheritance.

Breakthrough Genomics
Classification: Benign. Review status: criteria provided, single submitter. Criteria: ACMG Guidelines, 2015. Collection method: not provided. Allele origin: germline. Inheritance: Autosomal recessive inheritance. Affected: yes.

PreventionGenetics, part of Exact Sciences
Classification: Benign. Review status: criteria provided, single submitter. Criteria: ACMG Guidelines, 2015. Collection method: clinical testing. Allele origin: germline.

NM_001365088.1(SLC12A6):c.1825-13C>T

Gene: SLC12A6 (solute carrier family 12 member 6; minus strand). Cytogenetic location: 15q14.
Variant type: single nucleotide variant.
Coding change: c.1825-13C>T on transcript NM_001365088.1 (MANE Select); 13 bases into the intron before coding-DNA position 1825, C replaced by T.
Molecular consequence: intron variant.
Genome position (GRCh38, 1-based): chr15:34,245,416, G>A on the plus strand (C>T on the coding strand, the complement: SLC12A6 is on the minus strand). VCF-style: chr15-34245416-G-A. GRCh37 (hg19) VCF-style: chr15-34537617-G-A.
Other names: c.1648-13C>T (NM_001042495.2, NM_001042494.2); c.1798-13C>T (NM_001042496.2); c.1780-13C>T (NM_001042497.2); c.1825-13C>T (NM_133647.2); c.1672-13C>T (NM_005135.2).
Identifiers: ClinVar variation 159889 (VCV000159889.25), dbSNP rs74010036, ClinGen allele CA173434.
Genomic context (GRCh38, chr15:34,245,416, plus strand): 5'-AAGTAAAGCCCAGGTAGGTTCCCCATTGGCTTTGCTGTGGCCAAAAACCTGTACACAGAA[G>A]GGAAATATCAGGCACAGGAGTACTGAGTCATTGCTCTCTGATTTCTCTAGCCTACAGTTT-3'